The following is an entry in ClinVar:

NM_015338.6(ASXL1):c.1911C>T (p.Ala637=)

Gene: ASXL1 (ASXL transcriptional regulator 1; plus strand). Cytogenetic location: 20q11.21.
Variant type: single nucleotide variant.
Coding change: c.1911C>T on transcript NM_015338.6 (MANE Select); coding-DNA position 1911, C replaced by T.
Protein change: p.Ala637=; no amino-acid change (alanine 637 retained).
Molecular consequence: synonymous variant.
Genome position (GRCh38, 1-based): chr20:32,434,623, C>T. VCF-style: chr20-32434623-C-T. GRCh37 (hg19) VCF-style: chr20-31022426-C-T.
Other names: c.1728C>T, p.Ala576= (NM_001363734.1).
Identifiers: ClinVar variation 1907475 (VCV001907475.28), dbSNP rs1472398458, ClinGen allele CA510466556.
Genomic context (GRCh38, chr20:32,434,623, plus strand): 5'-TAAAGCCCGTGCTCTGCAGGTCCGAGGGGCGAGAGGTCACCACTGCCATAGAGAGGCGGC[C>T]ACCACTGCCATCGGAGGGGGGGGTGGCCCGGGTGGAGGTGGCGGCGGGGCCACCGATGAG-3'
Protein context (NP_056153.2, residues 627-647): ARGHHCHREA[Ala637=]TTAIGGGGGP

ClinVar aggregate classification (germline): Likely benign. Review status: criteria provided, multiple submitters, no conflicts (2 of 4 stars). 4 submissions from 4 submitters: Likely benign (4). Last evaluated 2024-11-24.

Conditions:
Inborn genetic diseases. Identifiers: MedGen C0950123, MeSH D030342.

Allele frequency attached by ClinVar (database versions not stated): TOPMed below 0.00001; gnomAD exomes 0.00001.
gnomAD v4.1: 9 of 1,609,952 alleles (0.00056%); highest among the groups gnomAD compares: Non-Finnish European, 0.00068%; no homozygotes.

Submissions (4):

Ambry Genetics
Classification: Likely benign for Inborn genetic diseases. Last evaluated: 2024-11-24. Review status: criteria provided, single submitter. Criteria: Ambry Variant Classification Scheme 2023. Collection method: clinical testing. Allele origin: germline.

Blueprint Genetics
Classification: Likely benign. Last evaluated: 2024-11-07. Review status: criteria provided, single submitter. Criteria: ACMG Guidelines, 2015. Collection method: clinical testing. Allele origin: germline.

Labcorp Genetics (formerly Invitae), Labcorp
Classification: Likely benign. Last evaluated: 2024-08-12. Review status: criteria provided, single submitter. Criteria: Invitae Variant Classification Sherloc (09022015). Collection method: clinical testing. Allele origin: germline.

CeGaT Center for Human Genetics Tuebingen
Classification: Likely benign. Last evaluated: 2024-03-01. Review status: criteria provided, single submitter. Criteria: CeGaT Center For Human Genetics Tuebingen Variant Classification Criteria Version 2. Collection method: clinical testing. Allele origin: germline. Affected: yes. Observed: 1 variant allele.
Comment: ASXL1: BP4, BP7